The following is an entry in ClinVar:

ClinVar aggregate classification (germline): Uncertain significance. Review status: criteria provided, multiple submitters, no conflicts (2 of 4 stars). 3 submissions from 3 submitters: Uncertain significance (3). Last evaluated 2025-12-18.

Conditions:
Nephrotic syndrome, type 3 (NPHS3). Also called: NEPHROTIC SYNDROME, EARLY-ONSET, TYPE 3. Identifiers: Orphanet 656, MedGen C1853124, MONDO:0012546, OMIM 610725.
PLCE1-related disorder. Also called: PLCE1-related condition.
Inborn genetic diseases. Identifiers: MedGen C0950123, MeSH D030342.

Allele frequency attached by ClinVar (database versions not stated): gnomAD exomes 0.00001; ExAC 0.00003; ESP Exome Variant Server 0.00008; TOPMed 0.00011; gnomAD 0.00013.
gnomAD v4.1: 29 of 1,614,054 alleles (0.0018%); highest among the groups gnomAD compares: African/African-American, 0.039%; no homozygotes.

Submissions (3):

PreventionGenetics, part of Exact Sciences
Classification: Uncertain significance for PLCE1-related condition. Last evaluated: 2025-12-18. Review status: criteria provided, single submitter. Criteria: ACMG Guidelines, 2015. Collection method: clinical testing. Allele origin: germline.
Comment: The PLCE1 c.6101G>C variant is predicted to result in the amino acid substitution p.Gly2034Ala. To our knowledge, this variant has not been reported in the literature. This variant is reported in 0.054% of alleles in individuals of African descent in gnomAD. Although we suspect that this variant may be benign, at this time, the clinical significance of this variant is uncertain due to the absence of conclusive functional and genetic evidence.

Ambry Genetics
Classification: Uncertain significance for Inborn genetic diseases. Last evaluated: 2024-08-21. Review status: criteria provided, single submitter. Criteria: Ambry Variant Classification Scheme 2023. Collection method: clinical testing. Allele origin: germline.

Fulgent Genetics
Classification: Uncertain significance for Nephrotic syndrome, type 3. Last evaluated: 2024-03-25. Review status: criteria provided, single submitter. Criteria: ACMG Guidelines, 2015. Collection method: clinical testing. Allele origin: germline.

NM_016341.4(PLCE1):c.6101G>C (p.Gly2034Ala)

Gene: PLCE1 (phospholipase C epsilon 1; plus strand). Cytogenetic location: 10q23.33.
Variant type: single nucleotide variant.
Coding change: c.6101G>C on transcript NM_016341.4 (MANE Select); coding-DNA position 6101, G replaced by C.
Protein change: p.Gly2034Ala; replaces glycine 2034 with alanine.
Molecular consequence: missense variant.
Genome position (GRCh38, 1-based): chr10:94,313,351, G>C. VCF-style: chr10-94313351-G-C. GRCh37 (hg19) VCF-style: chr10-96073108-G-C.
Other names: c.5177G>C, p.Gly1726Ala (NM_001165979.2); c.6053G>C, p.Gly2018Ala (NM_001288989.2); short protein forms G1726A, G2034A, G2018A.
Identifiers: ClinVar variation 2379221 (VCV002379221.5), dbSNP rs377038783, ClinGen allele CA5613487.